The following is an entry in ClinVar:

ClinVar aggregate classification (germline): Uncertain significance (1 of 4 stars; one submission).

Conditions:
Agammaglobulinemia 6, autosomal recessive (AGM6). Also called: AGAMMAGLOBULINEMIA 6; AGAMMAGLOBULINEMIA, AUTOSOMAL RECESSIVE, DUE TO CD79B DEFECT. Identifiers: MedGen C3150207, MONDO:0012987, OMIM 612692.

Submission:

Labcorp Genetics (formerly Invitae), Labcorp
Classification: Uncertain significance for Agammaglobulinemia 6, autosomal recessive. Last evaluated: 2022-03-27. Review status: criteria provided, single submitter. Criteria: Invitae Variant Classification Sherloc (09022015). Collection method: clinical testing. Allele origin: germline.
Comment: In summary, the available evidence is currently insufficient to determine the role of this variant in disease. Therefore, it has been classified as a Variant of Uncertain Significance. Experimental studies and prediction algorithms are not available or were not evaluated, and the functional significance of this variant is currently unknown. This variant has not been reported in the literature in individuals affected with CD79B-related conditions. This variant is not present in population databases (gnomAD no frequency). This variant, c.364_366del, results in the deletion of 1 amino acid(s) of the CD79B protein (p.Cys122del), but otherwise preserves the integrity of the reading frame.

NM_000626.4(CD79B):c.364_366del (p.Cys122del)

Genes: CD79B (CD79b molecule; minus strand), GH-LCR (growth hormone locus control region; plus strand). Cytogenetic location: 17q23.3.
Variant type: Deletion.
Coding change: c.364_366del on transcript NM_000626.4 (MANE Select); coding-DNA positions 364 to 366, 3 bases deleted (TGT; older notation c.364_366delTGT).
Protein change: p.Cys122del; deletes cysteine 122.
Molecular consequence: inframe deletion. On other transcripts: intron variant (2).
Genome position (GRCh38, 1-based): chr17:63,930,138-63,930,140, ACA deleted on the plus strand (TGT on the coding strand, the reverse complement: CD79B is on the minus strand). VCF-style (leftmost placement, unchanged base first): chr17-63930137-GACA-G. GRCh37 (hg19) VCF-style: chr17-62007497-GACA-G.
Other names: c.367_369del, p.Cys123del (NM_001039933.3); c.119-252_119-250del (NM_021602.4); c.122-252_122-250del (NM_001329050.2); short protein forms C122del, C123del.
Identifiers: ClinVar variation 2738300 (VCV002738300.3), dbSNP rs2509268607, ClinGen allele CA2697555061.